The following is an entry in ClinVar:

ClinVar aggregate classification (germline): Conflicting classifications of pathogenicity. Review status: criteria provided, conflicting classifications (1 of 4 stars). 5 submissions from 5 submitters: Uncertain significance (2); Benign (1); Likely benign (2). Last evaluated 2026-01-19.

Conditions:
Developmental and epileptic encephalopathy, 54. Also called: HNRNPU-Related Neurodevelopmental Disorder; Epileptic encephalopathy, early infantile, 54. Identifiers: MedGen C4479319, MONDO:0033363, OMIM 617391.
Inborn genetic diseases. Identifiers: MedGen C0950123, MeSH D030342.

Allele frequency attached by ClinVar (database versions not stated): gnomAD 0.00006; TOPMed 0.00008.
gnomAD v4.1: 57 of 1,614,130 alleles (0.0035%); highest among the groups gnomAD compares: East Asian, 0.031%; 1 homozygote.

Submissions (5):

Labcorp Genetics (formerly Invitae), Labcorp
Classification: Benign for Developmental and epileptic encephalopathy, 54. Last evaluated: 2026-01-19. Review status: criteria provided, single submitter. Criteria: Invitae Variant Classification Sherloc (09022015). Collection method: clinical testing. Allele origin: germline.

Blueprint Genetics
Classification: Likely benign. Last evaluated: 2024-06-06. Review status: criteria provided, single submitter. Criteria: ACMG Guidelines, 2015. Collection method: clinical testing. Allele origin: germline.

Center for Genomics, Ann and Robert H. Lurie Children's Hospital of Chicago
Classification: Uncertain significance for Developmental and epileptic encephalopathy, 54. Last evaluated: 2022-09-15. Review status: criteria provided, single submitter. Criteria: ACMG Guidelines, 2015. Collection method: clinical testing. Allele origin: germline.
Comment: HNRNPU NM_031844.2 exon 7 p.Ala440Asp (c.1319C>A): This variant has not been reported in the literature but is present in 12/18868 East Asian alleles in the Genome Aggregation Database. This variant is present in ClinVar (Variation ID:406726). This variant Aspartic Acid (Asp) is present in several bird and reptile species; this suggests that this variant may not impact the protein. Additional computational prediction tools do not suggest an impact. In summary, data on this variant is insufficient for disease classification. Therefore, the clinical significance of this variant is uncertain.

Fulgent Genetics
Classification: Uncertain significance for Developmental and epileptic encephalopathy, 54. Last evaluated: 2018-10-31. Review status: criteria provided, single submitter. Criteria: ACMG Guidelines, 2015. Collection method: clinical testing. Allele origin: unknown.

Ambry Genetics
Classification: Likely benign for Inborn genetic diseases. Last evaluated: 2017-12-15. Review status: criteria provided, single submitter. Criteria: Ambry Variant Classification Scheme 2023. Collection method: clinical testing. Allele origin: germline.

NM_031844.3(HNRNPU):c.1319C>A (p.Ala440Asp)

Gene: HNRNPU (heterogeneous nuclear ribonucleoprotein U; minus strand). Cytogenetic location: 1q44.
Variant type: single nucleotide variant.
Coding change: c.1319C>A on transcript NM_031844.3 (MANE Select); coding-DNA position 1319, C replaced by A.
Protein change: p.Ala440Asp; replaces alanine 440 with aspartic acid.
Molecular consequence: missense variant.
Genome position (GRCh38, 1-based): chr1:244,858,186, G>T on the plus strand (C>A on the coding strand, the complement: HNRNPU is on the minus strand). VCF-style: chr1-244858186-G-T. GRCh37 (hg19) VCF-style: chr1-245021488-G-T.
Other names: c.1262C>A, p.Ala421Asp (NM_004501.3); short protein forms A440D, A421D.
Identifiers: ClinVar variation 406726 (VCV000406726.18), dbSNP rs373039242, ClinGen allele CA1486480.